The following is an entry in ClinVar:

NM_144599.5(NIPA1):c.759G>A (p.Glu253=)

Gene: NIPA1 (NIPA magnesium transporter 1; plus strand). Cytogenetic location: 15q11.2.
Variant type: single nucleotide variant.
Coding change: c.759G>A on transcript NM_144599.5 (MANE Select); coding-DNA position 759, G replaced by A.
Protein change: p.Glu253=; no amino-acid change (glutamic acid 253 retained).
Molecular consequence: synonymous variant.
Genome position (GRCh38, 1-based): chr15:22,824,008, G>A. VCF-style: chr15-22824008-G-A. GRCh37 (hg19) VCF-style: chr15-23049060-C-T.
Other names: c.534G>A, p.Glu178= (NM_001142275.1).
Identifiers: ClinVar variation 932339 (VCV000932339.44), dbSNP rs781769053, ClinGen allele CA7426004.
Genomic context (GRCh38, chr15:22,824,008, plus strand): 5'-CCTGGCCGTGCTCGGCTGCAGCATCATCGTCCAGTTCAGGTACATCAACAAGGCGCTGGA[G>A]TGCTTCGACTCCTCGGTGTTCGGGGCCATCTACTACGTCGTGTTTACCACGCTGGTCCTG-3'
Protein context (NP_653200.2, residues 243-263): VQFRYINKAL[Glu253=]CFDSSVFGAI

ClinVar aggregate classification (germline): Likely benign. Review status: criteria provided, multiple submitters, no conflicts (2 of 4 stars). 2 submissions from 2 submitters: Likely benign (2). Last evaluated 2024-05-28.

Conditions:
Hereditary spastic paraplegia 6 (SPG6). Also called: SPASTIC PARAPLEGIA 6, AUTOSOMAL DOMINANT. Identifiers: Orphanet 100988, MedGen C1838192, MONDO:0010878, OMIM 600363.

Allele frequency attached by ClinVar (database versions not stated): gnomAD exomes 0.00002 and 0.00006; TOPMed 0.00002; ExAC 0.00003; gnomAD 0.00003.
gnomAD v4.1: 41 of 1,614,066 alleles (0.0025%); highest among the groups gnomAD compares: Middle Eastern, 0.12%; no homozygotes.

Submissions (2):

Labcorp Genetics (formerly Invitae), Labcorp
Classification: Likely benign for Hereditary spastic paraplegia 6. Last evaluated: 2024-05-28. Review status: criteria provided, single submitter. Criteria: Invitae Variant Classification Sherloc (09022015). Collection method: clinical testing. Allele origin: germline.

CeGaT Center for Human Genetics Tuebingen
Classification: Likely benign. Last evaluated: 2023-01-01. Review status: criteria provided, single submitter. Criteria: CeGaT Center For Human Genetics Tuebingen Variant Classification Criteria Version 2. Collection method: clinical testing. Allele origin: germline. Affected: yes. Observed: 2 variant alleles.
Comment: NIPA1: BP4, BP7